The following is an entry in ClinVar:

ClinVar aggregate classification (germline): Uncertain significance (1 of 4 stars; one submission).

Conditions:
Generalized epilepsy with febrile seizures plus, type 7 (GEFSP7). Also called: GEFS+, TYPE 7. Identifiers: Orphanet 36387, MedGen C2751778, MONDO:0013470, OMIM 613863.
Neuropathy, hereditary sensory and autonomic, type 2A (HSAN2A). Also called: MORVAN DISEASE; NEUROPATHY, CONGENITAL SENSORY; NEUROPATHY, HEREDITARY SENSORY RADICULAR, AUTOSOMAL RECESSIVE; NEUROPATHY, HEREDITARY SENSORY, TYPE IIA; NEUROPATHY, PROGRESSIVE SENSORY, OF CHILDREN; ACROOSTEOLYSIS, GIACCAI TYPE. Identifiers: Orphanet 970, MedGen C2752089, MONDO:0024309, OMIM 201300.

Allele frequency attached by ClinVar (database versions not stated): ExAC below 0.00001; gnomAD 0.00001; gnomAD exomes 0.00001; TOPMed 0.00002; 1000 Genomes Project 30x 0.00016; 1000 Genomes Project 0.00020.
gnomAD v4.1: 14 of 1,570,850 alleles (0.00089%); highest among the groups gnomAD compares: South Asian, 0.0046%; no homozygotes.

Submission:

Labcorp Genetics (formerly Invitae), Labcorp
Classification: Uncertain significance for Neuropathy, hereditary sensory and autonomic, type 2A; Generalized epilepsy with febrile seizures plus, type 7. Last evaluated: 2025-05-22. Review status: criteria provided, single submitter. Criteria: Invitae Variant Classification Sherloc (09022015). Collection method: clinical testing. Allele origin: germline.
Comment: This sequence change affects codon 149 of the SCN9A mRNA. It is a 'silent' change, meaning that it does not change the encoded amino acid sequence of the SCN9A protein. The frequency data for this variant in the population databases is considered unreliable, as metrics indicate poor data quality at this position in the gnomAD database. This variant has not been reported in the literature in individuals affected with SCN9A-related conditions. ClinVar contains an entry for this variant (Variation ID: 965668). Algorithms developed to predict the effect of sequence changes on RNA splicing suggest that this variant may disrupt the consensus splice site. In summary, the available evidence is currently insufficient to determine the role of this variant in disease. Therefore, it has been classified as a Variant of Uncertain Significance.

NM_001365536.1(SCN9A):c.447G>A (p.Pro149=)

Gene: SCN9A (sodium voltage-gated channel alpha subunit 9; minus strand). Cytogenetic location: 2q24.3.
Variant type: single nucleotide variant.
Coding change: c.447G>A on transcript NM_001365536.1 (MANE Select); coding-DNA position 447, G replaced by A.
Protein change: p.Pro149=; no amino-acid change (proline 149 retained).
Molecular consequence: synonymous variant.
Genome position (GRCh38, 1-based): chr2:166,306,530, C>T on the plus strand (G>A on the coding strand, the complement: SCN9A is on the minus strand). VCF-style: chr2-166306530-C-T. GRCh37 (hg19) VCF-style: chr2-167163040-C-T.
Other names: c.447G>A, p.Pro149= (NM_002977.4).
Identifiers: ClinVar variation 965668 (VCV000965668.10), dbSNP rs539907650, ClinGen allele CA1944790.